The following is an entry in ClinVar:

ClinVar aggregate classification (germline): Uncertain significance. Review status: criteria provided, multiple submitters, no conflicts (2 of 4 stars). 4 submissions from 4 submitters: Uncertain significance (4). Last evaluated 2026-04-24.

Conditions:
Hypertrophic cardiomyopathy. Also called: HYPERTROPHIC MYOCARDIOPATHY. Identifiers: Orphanet 217569, MedGen C0007194, MeSH D002312, MONDO:0005045, HP:0001639.
Hypertrophic cardiomyopathy 4. Also called: Familial hypertrophic cardiomyopathy 4. Identifiers: MedGen C1861862, MONDO:0007268, OMIM 115197.
Left ventricular noncompaction 10 (LVNC10). Identifiers: Orphanet 154, Orphanet 54260, MedGen C3715165, MONDO:0014163, OMIM 615396.
Cardiovascular phenotype. Identifiers: MedGen CN230736.

Allele frequency attached by ClinVar (database versions not stated): TOPMed 0.00002; gnomAD exomes below 0.00001; gnomAD 0.00002.
gnomAD v4.1: 6 of 1,612,412 alleles (0.00037%); highest among the groups gnomAD compares: African/African-American, 0.008%; no homozygotes.

Submissions (4):

GeneDx
Classification: Uncertain significance. Last evaluated: 2026-04-24. Review status: criteria provided, single submitter. Criteria: GeneDx Variant Classification Process June 2021. Collection method: clinical testing. Allele origin: germline.
Comment: Not observed at significant frequency in large population cohorts (gnomAD); In silico analysis suggests that this missense variant does not alter protein structure/function; Has not been previously published as pathogenic or benign to our knowledge

Labcorp Genetics (formerly Invitae), Labcorp
Classification: Uncertain significance for Hypertrophic cardiomyopathy. Last evaluated: 2025-10-08. Review status: criteria provided, single submitter. Criteria: Invitae Variant Classification Sherloc (09022015). Collection method: clinical testing. Allele origin: germline.
Comment: This sequence change replaces lysine, which is basic and polar, with arginine, which is basic and polar, at codon 485 of the MYBPC3 protein (p.Lys485Arg). This variant is present in population databases (no rsID available, gnomAD 0.008%). This variant has not been reported in the literature in individuals affected with MYBPC3-related conditions. ClinVar contains an entry for this variant (Variation ID: 1062531). An algorithm developed to predict the effect of missense changes on protein structure and function (PolyPhen-2) suggests that this variant is likely to be tolerated. In summary, the available evidence is currently insufficient to determine the role of this variant in disease. Therefore, it has been classified as a Variant of Uncertain Significance.

Ambry Genetics
Classification: Uncertain significance for Cardiovascular phenotype. Last evaluated: 2023-01-17. Review status: criteria provided, single submitter. Criteria: Ambry Variant Classification Scheme 2023. Collection method: clinical testing. Allele origin: germline.
Comment: The p.K485R variant (also known as c.1454A>G), located in coding exon 16 of the MYBPC3 gene, results from an A to G substitution at nucleotide position 1454. The lysine at codon 485 is replaced by arginine, an amino acid with highly similar properties. This amino acid position is highly conserved in available vertebrate species. In addition, this alteration is predicted to be tolerated by in silico analysis. Since supporting evidence is limited at this time, the clinical significance of this alteration remains unclear.

Fulgent Genetics
Classification: Uncertain significance for Hypertrophic cardiomyopathy 4; Left ventricular noncompaction 10. Last evaluated: 2021-11-09. Review status: criteria provided, single submitter. Criteria: ACMG Guidelines, 2015. Collection method: clinical testing. Allele origin: unknown.

NM_000256.3(MYBPC3):c.1454A>G (p.Lys485Arg)

Gene: MYBPC3 (myosin binding protein C3; minus strand). Cytogenetic location: 11p11.2.
Variant type: single nucleotide variant.
Coding change: c.1454A>G on transcript NM_000256.3 (MANE Select); coding-DNA position 1454, A replaced by G.
Protein change: p.Lys485Arg; replaces lysine 485 with arginine.
Molecular consequence: missense variant.
Genome position (GRCh38, 1-based): chr11:47,342,833, T>C on the plus strand (A>G on the coding strand, the complement: MYBPC3 is on the minus strand). VCF-style: chr11-47342833-T-C. GRCh37 (hg19) VCF-style: chr11-47364384-T-C.
Other names: short protein forms K485R.
Identifiers: ClinVar variation 1062531 (VCV001062531.12), dbSNP rs1185871136, ClinGen allele CA380325437.